The following is an entry in ClinVar:

ClinVar aggregate classification (germline): Uncertain significance (1 of 4 stars; one submission).

Conditions:
Hereditary cancer-predisposing syndrome. Also called: Tumor predisposition; Hereditary Cancer Syndrome; Neoplastic Syndromes, Hereditary; Hereditary neoplastic syndrome. Identifiers: Orphanet 140162, MedGen C0027672, MeSH D009386, MONDO:0015356.

Submission:

Color Diagnostics, LLC DBA Color Health
Classification: Uncertain significance for Hereditary cancer-predisposing syndrome. Last evaluated: 2024-03-06. Review status: criteria provided, single submitter. Criteria: ACMG Guidelines, 2015. Collection method: clinical testing. Allele origin: germline.
Comment: This missense variant replaces glutamine with leucine at codon 24 of the BMPR1A protein. Computational prediction is inconclusive regarding the impact of this variant on protein structure and function (internally defined REVEL score threshold 0.5 < inconclusive < 0.7, PMID: 27666373). To our knowledge, functional studies have not been reported for this variant. This variant has not been reported in individuals affected with hereditary cancer in the literature. This variant has not been identified in the general population by the Genome Aggregation Database (gnomAD). The available evidence is insufficient to determine the role of this variant in disease conclusively. Therefore, this variant is classified as a Variant of Uncertain Significance.

NM_004329.3(BMPR1A):c.71A>T (p.Gln24Leu)

Gene: BMPR1A (bone morphogenetic protein receptor type 1A; plus strand). Cytogenetic location: 10q23.2.
Variant type: single nucleotide variant.
Coding change: c.71A>T on transcript NM_004329.3 (MANE Select); coding-DNA position 71, A replaced by T.
Protein change: p.Gln24Leu; replaces glutamine 24 with leucine.
Molecular consequence: missense variant.
Genome position (GRCh38, 1-based): chr10:86,890,065, A>T. VCF-style: chr10-86890065-A-T. GRCh37 (hg19) VCF-style: chr10-88649822-A-T.
Other names: short protein forms Q24L.
Identifiers: ClinVar variation 1331776 (VCV001331776.3), dbSNP rs1163365235, ClinGen allele CA377446219.